The following is an entry in ClinVar:

NM_001369.3(DNAH5):c.6988G>C (p.Gly2330Arg)

Gene: DNAH5 (dynein axonemal heavy chain 5; minus strand). Cytogenetic location: 5p15.2.
Variant type: single nucleotide variant.
Coding change: c.6988G>C on transcript NM_001369.3 (MANE Select); coding-DNA position 6988, G replaced by C.
Protein change: p.Gly2330Arg; replaces glycine 2330 with arginine.
Molecular consequence: missense variant.
Genome position (GRCh38, 1-based): chr5:13,817,548, C>G on the plus strand (G>C on the coding strand, the complement: DNAH5 is on the minus strand). VCF-style: chr5-13817548-C-G. GRCh37 (hg19) VCF-style: chr5-13817657-C-G.
Other names: p.Gly2330Arg; short protein forms G2330R.
Identifiers: ClinVar variation 4541033 (VCV004541033.1).

ClinVar aggregate classification (germline): Uncertain significance (1 of 4 stars; one submission).

Submission:

Mayo Clinic Laboratories, Mayo Clinic
Classification: Uncertain significance. Last evaluated: 2025-11-21. Review status: criteria provided, single submitter. Criteria: ACMG Guidelines, 2015. Collection method: clinical testing. Allele origin: germline. Observed: 1 variant allele.
Comment: PP3, PM2_supporting, PM3_supporting, PS1_moderate

Literature cited by the submitters: PubMed 25802884; PubMed 30067075.